The following is an entry in ClinVar:

NM_022114.4(PRDM16):c.3522G>A (p.Arg1174=)

Gene: PRDM16 (PR/SET domain 16; plus strand). Cytogenetic location: 1p36.32.
Variant type: single nucleotide variant.
Coding change: c.3522G>A on transcript NM_022114.4 (MANE Select); coding-DNA position 3522, G replaced by A.
Protein change: p.Arg1174=; no amino-acid change (arginine 1174 retained).
Molecular consequence: synonymous variant.
Genome position (GRCh38, 1-based): chr1:3,431,966, G>A. VCF-style: chr1-3431966-G-A. GRCh37 (hg19) VCF-style: chr1-3348530-G-A.
Other names: c.3522G>A, p.Arg1174= (NM_199454.3).
Identifiers: ClinVar variation 2101189 (VCV002101189.4), dbSNP rs765442757, ClinGen allele CA544906.

ClinVar aggregate classification (germline): Uncertain significance (1 of 4 stars; one submission).

Conditions:
Left ventricular noncompaction 8 (LVNC8). Identifiers: Orphanet 154, Orphanet 54260, MedGen C3809288, MONDO:0014152, OMIM 615373.

Allele frequency attached by ClinVar (database versions not stated): gnomAD exomes 0.00002; gnomAD 0.00003; TOPMed 0.00003; ExAC 0.00004.
gnomAD v4.1: 29 of 1,612,576 alleles (0.0018%); highest among the groups gnomAD compares: Admixed American, 0.01%; no homozygotes.

Submission:

Labcorp Genetics (formerly Invitae), Labcorp
Classification: Uncertain significance for Left ventricular noncompaction 8. Last evaluated: 2022-05-02. Review status: criteria provided, single submitter. Criteria: Invitae Variant Classification Sherloc (09022015). Collection method: clinical testing. Allele origin: germline.
Comment: In summary, the available evidence is currently insufficient to determine the role of this variant in disease. Therefore, it has been classified as a Variant of Uncertain Significance. Algorithms developed to predict the effect of sequence changes on RNA splicing suggest that this variant may disrupt the consensus splice site. This variant has not been reported in the literature in individuals affected with PRDM16-related conditions. This variant is present in population databases (rs765442757, gnomAD 0.01%). This sequence change affects codon 1174 of the PRDM16 mRNA. It is a 'silent' change, meaning that it does not change the encoded amino acid sequence of the PRDM16 protein. It affects a nucleotide within the consensus splice site.